The following is an entry in ClinVar:

ClinVar aggregate classification (germline): Uncertain significance (1 of 4 stars; one submission).

Conditions:
Bethlem myopathy 1A. Also called: MYOPATHY, BENIGN CONGENITAL, WITH CONTRACTURES; Bethlem Muscular Dystrophy; Bethlem myopathy 1. Identifiers: Orphanet 610, MedGen CN029274, MONDO:0024530, OMIM 158810.

Allele frequency attached by ClinVar (database versions not stated): gnomAD exomes 0.00001 and 0.00002; ExAC 0.00001.
gnomAD v4.1: 13 of 1,613,066 alleles (0.00081%); highest among the groups gnomAD compares: Admixed American, 0.0033%; no homozygotes.

Submission:

Labcorp Genetics (formerly Invitae), Labcorp
Classification: Uncertain significance for Bethlem myopathy 1A. Last evaluated: 2021-09-14. Review status: criteria provided, single submitter. Criteria: Invitae Variant Classification Sherloc (09022015). Collection method: clinical testing. Allele origin: germline.
Comment: In summary, the available evidence is currently insufficient to determine the role of this variant in disease. Therefore, it has been classified as a Variant of Uncertain Significance. Algorithms developed to predict the effect of sequence changes on RNA splicing suggest that this variant may create or strengthen a splice site. This sequence change affects codon 1390 of the COL6A3 mRNA. It is a 'silent' change, meaning that it does not change the encoded amino acid sequence of the COL6A3 protein. This variant is present in population databases (rs770489225, ExAC 0.009%). This variant has not been reported in the literature in individuals affected with COL6A3-related conditions.

NM_004369.4(COL6A3):c.4170G>A (p.Ser1390=)

Gene: COL6A3 (collagen type VI alpha 3 chain; minus strand). Cytogenetic location: 2q37.3.
Variant type: single nucleotide variant.
Coding change: c.4170G>A on transcript NM_004369.4 (MANE Select); coding-DNA position 4170, G replaced by A.
Protein change: p.Ser1390=; no amino-acid change (serine 1390 retained).
Molecular consequence: synonymous variant.
Genome position (GRCh38, 1-based): chr2:237,371,847, C>T on the plus strand (G>A on the coding strand, the complement: COL6A3 is on the minus strand). VCF-style: chr2-237371847-C-T. GRCh37 (hg19) VCF-style: chr2-238280490-C-T.
Other names: c.2949G>A, p.Ser983= (NM_057164.5); c.3552G>A, p.Ser1184= (NM_057165.5, NM_057167.4); c.2349G>A, p.Ser783= (NM_057166.5).
Identifiers: ClinVar variation 1440522 (VCV001440522.6), dbSNP rs770489225, ClinGen allele CA2188981.